The following is an entry in ClinVar:

ClinVar aggregate classification (germline): Uncertain significance (1 of 4 stars; one submission).

gnomAD v4.1: 75 of 1,608,648 alleles (0.0047%); highest among the groups gnomAD compares: Admixed American, 0.12%; 1 homozygote.

Submission:

Ambry Genetics
Classification: Uncertain significance. Last evaluated: 2024-12-01. Review status: criteria provided, single submitter. Criteria: Ambry Variant Classification Scheme 2023. Collection method: clinical testing. Allele origin: germline.
Comment: The p.Q227R variant (also known as c.680A>G), located in coding exon 1 of the WNK2 gene, results from an A to G substitution at nucleotide position 680. The glutamine at codon 227 is replaced by arginine, an amino acid with highly similar properties. This amino acid position is conserved. In addition, this alteration is predicted to be tolerated by in silico analysis. Based on the available evidence, the clinical significance of this variant remains unclear.

NM_006648.4(WNK2):c.680A>G (p.Gln227Arg)

Gene: WNK2 (WNK lysine deficient protein kinase 2; plus strand). Cytogenetic location: 9q22.31.
Variant type: single nucleotide variant.
Coding change: c.680A>G on transcript NM_006648.4 (MANE Select); coding-DNA position 680, A replaced by G.
Protein change: p.Gln227Arg; replaces glutamine 227 with arginine.
Molecular consequence: missense variant.
Genome position (GRCh38, 1-based): chr9:93,185,609, A>G. VCF-style: chr9-93185609-A-G. GRCh37 (hg19) VCF-style: chr9-95947891-A-G.
Other names: c.680A>G, p.Gln227Arg (NM_001282394.3); short protein forms Q227R.
Identifiers: ClinVar variation 3470541 (VCV003470541.1).